The following is an entry in ClinVar:

NM_001378609.3(OTOGL):c.929G>A (p.Gly310Glu)

Gene: OTOGL (otogelin like; plus strand). Cytogenetic location: 12q21.31.
Variant type: single nucleotide variant.
Coding change: c.929G>A on transcript NM_001378609.3 (MANE Select); coding-DNA position 929, G replaced by A.
Protein change: p.Gly310Glu; replaces glycine 310 with glutamic acid.
Molecular consequence: missense variant.
Genome position (GRCh38, 1-based): chr12:80,238,962, G>A. VCF-style: chr12-80238962-G-A. GRCh37 (hg19) VCF-style: chr12-80632742-G-A.
Other names: c.929G>A, p.Gly310Glu (NM_001368062.3, NM_001378610.3, NM_173591.7); short protein forms G301E, G310E.
Identifiers: ClinVar variation 226978 (VCV000226978.40), dbSNP rs186616540, ClinGen allele CA6700300.

ClinVar aggregate classification (germline): Benign/Likely benign. Review status: criteria provided, multiple submitters, no conflicts (2 of 4 stars). 8 submissions from 8 submitters: Benign (2); Likely benign (5). 1 of the submissions does not count toward it. Last evaluated 2026-04-01.

Conditions:
OTOGL-related disorder. Also called: OTOGL-related condition.

Allele frequency attached by ClinVar (database versions not stated): 1000 Genomes Project 30x 0.00078; 1000 Genomes Project 0.00080; ESP Exome Variant Server 0.00250; gnomAD exomes 0.00268 and 0.00519; TOPMed 0.00273; ExAC 0.00294; gnomAD 0.00315 and 0.00327.
gnomAD v4.1: 7,864 of 1,597,246 alleles (0.49%); highest among the groups gnomAD compares: Non-Finnish European, 0.62%; 37 homozygotes.

Submissions (8):

CeGaT Center for Human Genetics Tuebingen
Classification: Likely benign. Last evaluated: 2026-04-01. Review status: criteria provided, single submitter. Criteria: CeGaT Center For Human Genetics Tuebingen Variant Classification Criteria Version 2. Collection method: clinical testing. Allele origin: germline. Affected: yes. Observed: 5 variant alleles.
Comment: OTOGL: BP4, BS2

Labcorp Genetics (formerly Invitae), Labcorp
Classification: Benign. Last evaluated: 2025-11-07. Review status: criteria provided, single submitter. Criteria: Invitae Variant Classification Sherloc (09022015). Collection method: clinical testing. Allele origin: germline.

Blueprint Genetics
Classification: Likely benign. Last evaluated: 2024-11-20. Review status: criteria provided, single submitter. Criteria: ACMG Guidelines, 2015. Collection method: clinical testing. Allele origin: germline.

GeneDx
Classification: Likely benign. Last evaluated: 2020-08-18. Review status: criteria provided, single submitter. Criteria: GeneDx Variant Classification Process June 2021. Collection method: clinical testing. Allele origin: germline. Affected: yes.

Genomic Diagnostic Laboratory, Division of Genomic Diagnostics, Children's Hospital of Philadelphia
Classification: Likely benign. Last evaluated: 2015-08-10. Review status: criteria provided, single submitter. Criteria: DGD Variant Analysis Guidelines. Collection method: clinical testing. Allele origin: unknown.

Laboratory for Molecular Medicine, Mass General Brigham Personalized Medicine
Classification: Benign. Last evaluated: 2014-11-24. Review status: criteria provided, single submitter. Criteria: LMM Criteria. Collection method: clinical testing. Allele origin: germline. Observed: 7 variant alleles.
Comment: Gly301Glu in exon 9 of OTOGL: This variant is not expected to have clinical sign ificance because it has been identified in 0.3% (25/8238) of European American c hromosomes from a broad population by the NHLBI Exome Sequencing Project (dbSNP rs186616540).

Breakthrough Genomics
Classification: Likely benign. Review status: criteria provided, single submitter. Criteria: ACMG Guidelines, 2015. Collection method: not provided. Allele origin: germline. Inheritance: Autosomal recessive inheritance. Affected: yes.

PreventionGenetics, part of Exact Sciences
Classification: Likely benign for OTOGL-related condition. Last evaluated: 2019-06-13. Review status: no assertion criteria provided. Collection method: clinical testing. Allele origin: germline. Not counted in ClinVar's aggregate classification.
Comment: This variant is classified as likely benign based on ACMG/AMP sequence variant interpretation guidelines (Richards et al. 2015 PMID: 25741868, with internal and published modifications).